The following is an entry in ClinVar:

NM_032620.4(GTPBP3):c.974+170C>T

Gene: GTPBP3 (GTP binding protein 3, mitochondrial; plus strand). Cytogenetic location: 19p13.11.
Variant type: single nucleotide variant.
Coding change: c.974+170C>T on transcript NM_032620.4 (MANE Select); 170 bases into the intron after coding-DNA position 974, C replaced by T.
Molecular consequence: intron variant.
Genome position (GRCh38, 1-based): chr19:17,339,769, C>T. VCF-style: chr19-17339769-C-T. GRCh37 (hg19) VCF-style: chr19-17450578-C-T.
Other names: c.1040+170C>T (NM_001195422.1); c.1070+170C>T (NM_133644.4); c.974+170C>T (NM_001128855.3).
Identifiers: ClinVar variation 669942 (VCV000669942.1), dbSNP rs62128107, ClinGen allele CA14734864.

ClinVar aggregate classification (germline): Benign (1 of 4 stars; one submission).

Allele frequency attached by ClinVar (database versions not stated): gnomAD 0.11744 and 0.11931; TOPMed 0.12207; 1000 Genomes Project 30x 0.12539; 1000 Genomes Project 0.12640.
gnomAD v4.1: 17,279 of 144,014 alleles (12%); highest among the groups gnomAD compares: Middle Eastern, 17%; 1,183 homozygotes.

Submission:

GeneDx
Classification: Benign. Last evaluated: 2018-06-14. Review status: criteria provided, single submitter. Criteria: GeneDx Variant Classification (06012015). Collection method: clinical testing. Allele origin: germline. Affected: yes.
Comment: This variant is considered likely benign or benign based on one or more of the following criteria: it is a conservative change, it occurs at a poorly conserved position in the protein, it is predicted to be benign by multiple in silico algorithms, and/or has population frequency not consistent with disease.